The following is an entry in ClinVar:

ClinVar aggregate classification (germline): Likely benign. Review status: criteria provided, multiple submitters, no conflicts (2 of 4 stars). 2 submissions from 2 submitters: Likely benign (2). Last evaluated 2025-08-01.

Allele frequency attached by ClinVar (database versions not stated): 1000 Genomes Project 0.00040; 1000 Genomes Project 30x 0.00047; ExAC 0.00067; ESP Exome Variant Server 0.00077; TOPMed 0.00078; gnomAD 0.00087.
gnomAD v4.1: 1,855 of 1,614,020 alleles (0.11%); highest among the groups gnomAD compares: Non-Finnish European, 0.15%; 1 homozygote.

Submissions (2):

CeGaT Center for Human Genetics Tuebingen
Classification: Likely benign. Last evaluated: 2025-08-01. Review status: criteria provided, single submitter. Criteria: CeGaT Center For Human Genetics Tuebingen Variant Classification Criteria Version 2. Collection method: clinical testing. Allele origin: germline. Affected: yes. Observed: 7 variant alleles.
Comment: PPP2R2B: BP4, BP7

Blueprint Genetics
Classification: Likely benign. Last evaluated: 2024-11-11. Review status: criteria provided, single submitter. Criteria: ACMG Guidelines, 2015. Collection method: clinical testing. Allele origin: germline.

NM_181675.4(PPP2R2B):c.1218C>T (p.Val406=)

Genes: PPP2R2B-AS2 (PPP2R2B antisense RNA 2; plus strand), PPP2R2B (protein phosphatase 2 regulatory subunit Bbeta; minus strand). Cytogenetic location: 5q32.
Variant type: single nucleotide variant.
Coding change: c.1218C>T on transcript NM_181675.4 (MANE Select); coding-DNA position 1218, C replaced by T.
Protein change: p.Val406=; no amino-acid change (valine 406 retained).
Molecular consequence: synonymous variant. On other transcripts: non-coding transcript variant (2).
Genome position (GRCh38, 1-based): chr5:146,590,061, G>A on the plus strand (C>T on the coding strand, the complement: PPP2R2B is on the minus strand). VCF-style: chr5-146590061-G-A. GRCh37 (hg19) VCF-style: chr5-145969624-G-A.
Other names: c.1218C>T, p.Val406= (NM_001127381.1, NM_004576.2); c.1236C>T, p.Val412= (NM_001271899.1); c.1392C>T, p.Val464= (NM_001271900.2); c.1185C>T, p.Val395= (NM_001271948.2, NM_181678.2); c.1416C>T, p.Val472= (NM_181674.3); c.1227C>T, p.Val409= (NM_181676.3); c.1158C>T, p.Val386= (NM_181677.2).
Identifiers: ClinVar variation 2571233 (VCV002571233.28), dbSNP rs141962233, ClinGen allele CA3492513.